The following is an entry in ClinVar:

ClinVar aggregate classification (germline): Uncertain significance (1 of 4 stars; one submission).

Submission:

Labcorp Genetics (formerly Invitae), Labcorp
Classification: Uncertain significance. Last evaluated: 2025-09-08. Review status: criteria provided, single submitter. Criteria: Invitae Variant Classification Sherloc (09022015). Collection method: clinical testing. Allele origin: germline.
Comment: This sequence change replaces proline, which is neutral and non-polar, with arginine, which is basic and polar, at codon 1496 of the COL11A2 protein (p.Pro1496Arg). This variant is not present in population databases (gnomAD no frequency). This variant has not been reported in the literature in individuals affected with COL11A2-related conditions. ClinVar contains an entry for this variant (Variation ID: 1496590). Invitae Evidence Modeling of protein sequence and biophysical properties (such as structural, functional, and spatial information, amino acid conservation, physicochemical variation, residue mobility, and thermodynamic stability) indicates that this missense variant is not expected to disrupt COL11A2 protein function with a negative predictive value of 95%. In summary, the available evidence is currently insufficient to determine the role of this variant in disease. Therefore, it has been classified as a Variant of Uncertain Significance.

NM_080680.3(COL11A2):c.4487C>G (p.Pro1496Arg)

Gene: COL11A2 (collagen type XI alpha 2 chain; minus strand). Cytogenetic location: 6p21.32.
Variant type: single nucleotide variant.
Coding change: c.4487C>G on transcript NM_080680.3 (MANE Select); coding-DNA position 4487, C replaced by G.
Protein change: p.Pro1496Arg; replaces proline 1496 with arginine.
Molecular consequence: missense variant.
Genome position (GRCh38, 1-based): chr6:33,165,812, G>C on the plus strand (C>G on the coding strand, the complement: COL11A2 is on the minus strand). VCF-style: chr6-33165812-G-C. GRCh37 (hg19) VCF-style: chr6-33133589-G-C.
Other names: c.4166C>G, p.Pro1389Arg (NM_080679.3); c.4229C>G, p.Pro1410Arg (NM_080681.3); short protein forms P1496R, P1410R, P1389R.
Identifiers: ClinVar variation 1496590 (VCV001496590.8), dbSNP rs2150518104, ClinGen allele CA363619351.